The following is an entry in ClinVar:

NM_001378778.1(MPDZ):c.3086T>G (p.Leu1029Trp)

Gene: MPDZ (multiple PDZ domain crumbs cell polarity complex component; minus strand). Cytogenetic location: 9p23.
Variant type: single nucleotide variant.
Coding change: c.3086T>G on transcript NM_001378778.1 (MANE Select); coding-DNA position 3086, T replaced by G.
Protein change: p.Leu1029Trp; replaces leucine 1029 with tryptophan.
Molecular consequence: missense variant.
Genome position (GRCh38, 1-based): chr9:13,168,534, A>C on the plus strand (T>G on the coding strand, the complement: MPDZ is on the minus strand). VCF-style: chr9-13168534-A-C. GRCh37 (hg19) VCF-style: chr9-13168533-A-C.
Other names: c.3086T>G, p.Leu1029Trp (NM_001261406.2, NM_001261407.2, NM_001330637.2 and 14 more transcripts); short protein forms L1029W.
Identifiers: ClinVar variation 4811401 (VCV004811401.1).
Genomic context (GRCh38, chr9:13,168,534, plus strand): 5'-GCAATCCGGCCATCTCGACTAATGGCACCTCCATGAATAATGCTTCGAACGATCATCCCC[A>C]AGCCATCTTTATTAGCACTAACTGTCATTCCTACAGGAAAAGAGAAATGCAAATATAATT-3'
Protein context (NP_001365707.1, residues 1019-1039): GMTVSANKDG[Leu1029Trp]GMIVRSIIHG

ClinVar aggregate classification (germline): Uncertain significance (1 of 4 stars; one submission).

gnomAD v4.1: 9 of 1,610,844 alleles (0.00056%); highest among the groups gnomAD compares: Non-Finnish European, 0.00051%; no homozygotes.

Submission:

Labcorp Genetics (formerly Invitae), Labcorp
Classification: Uncertain significance. Last evaluated: 2025-07-14. Review status: criteria provided, single submitter. Criteria: Invitae Variant Classification Sherloc (09022015). Collection method: clinical testing. Allele origin: germline.
Comment: This sequence change replaces leucine, which is neutral and non-polar, with tryptophan, which is neutral and slightly polar, at codon 1029 of the MPDZ protein (p.Leu1029Trp). This variant is present in population databases (rs771383776, gnomAD 0.01%). This variant has not been reported in the literature in individuals affected with MPDZ-related conditions. An algorithm developed to predict the effect of missense changes on protein structure and function (PolyPhen-2) suggests that this variant is likely to be disruptive. In summary, the available evidence is currently insufficient to determine the role of this variant in disease. Therefore, it has been classified as a Variant of Uncertain Significance.